The following is an entry in ClinVar:

ClinVar aggregate classification (germline): Likely pathogenic (1 of 4 stars; one submission).

Conditions:
Intellectual developmental disorder with autistic features and language delay, with or without seizures. Identifiers: MedGen C5394447, MONDO:0030051, OMIM 618906.

Submission:

New York Genome Center
Classification: Likely pathogenic for Intellectual developmental disorder with autistic features and language delay, with or without seizures. Last evaluated: 2022-04-20. Review status: criteria provided, single submitter. Criteria: NYGC Assertion Criteria 2020. Collection method: clinical testing. Allele origin: de novo. Observed: 1 heterozygote. Study: PrenatalSEQ.
Comment: The de novo one nucleotide deletion c.1586del (p.Glu529GlyfsTer12) identified in exon 12 (of 26) of the TANC2 gene has not been reported in affected individuals in the literature. The variant alters the wild-type translational reading frame and is predicted to cause loss of normal protein function either through protein truncation or nonsense-mediated mRNA decay. The deleted “A” nucleotide is the first nucleotide of exon 12 suggesting that this deletion may alter the normal mRNA splicing as predicted by in silico prediction tool SpliceAI (score = 1). The c.1586del variant is absent from gnomAD(v3) database suggesting it is not a common benign variant in the populations represented in that database. Predicted loss-of-function variants downstream of c.1586del have been reported as pathogenic/likely pathogenic in the published literature [PMID: 31616000]. Based on the available evidence, the de novo one nucleotide deletion c.1586del (p.Glu529GlyfsTer12) identified in the TANC2 gene is reported as Likely Pathogenic.

NM_001394998.1(TANC2):c.1808del (p.Glu603fs)

Gene: TANC2 (tetratricopeptide repeat, ankyrin repeat and coiled-coil containing 2; plus strand). Cytogenetic location: 17q23.3.
Variant type: Deletion.
Coding change: c.1808del on transcript NM_001394998.1 (MANE Select); coding-DNA position 1808, one base deleted (A; older notation c.1808delA).
Protein change: p.Glu603fs; shifts the reading frame from glutamic acid 603.
Molecular consequence: frameshift variant.
Genome position (GRCh38, 1-based): chr17:63,351,250, A deleted. VCF-style (leftmost placement, unchanged base first): chr17-63351249-GA-G. GRCh37 (hg19) VCF-style: chr17-61428610-GA-G.
Other names: c.1586del, p.Glu529fs (NM_001411076.1, NM_025185.4); short protein forms E529fs, E603fs.
Identifiers: ClinVar variation 3235923 (VCV003235923.1), dbSNP rs2510080382, ClinGen allele CA2825002585.